The following is an entry in ClinVar:

NM_014319.5(LEMD3):c.1767T>G (p.Val589=)

Gene: LEMD3 (LEM domain containing 3; plus strand). Cytogenetic location: 12q14.3.
Variant type: single nucleotide variant.
Coding change: c.1767T>G on transcript NM_014319.5 (MANE Select); coding-DNA position 1767, T replaced by G.
Protein change: p.Val589=; no amino-acid change (valine 589 retained).
Molecular consequence: synonymous variant.
Genome position (GRCh38, 1-based): chr12:65,238,573, T>G. VCF-style: chr12-65238573-T-G. GRCh37 (hg19) VCF-style: chr12-65632353-T-G.
Other names: c.1764T>G, p.Val588= (NM_001167614.2); c.1767T>G (NM_014319.4).
Identifiers: ClinVar variation 2420668 (VCV002420668.8), dbSNP rs763389434, ClinGen allele CA6671033.

ClinVar aggregate classification (germline): Likely benign. Review status: criteria provided, single submitter (1 of 4 stars). 2 submissions from 2 submitters: Likely benign (1). 1 of the submissions does not count toward it. Last evaluated 2025-01-07.

Conditions:
LEMD3-related disorder. Also called: LEMD3-related condition.

Allele frequency attached by ClinVar (database versions not stated): ExAC 0.00001; gnomAD 0.00001; gnomAD exomes 0.00001; TOPMed 0.00001.

Submissions (2):

Labcorp Genetics (formerly Invitae), Labcorp
Classification: Likely benign. Last evaluated: 2025-01-07. Review status: criteria provided, single submitter. Criteria: Invitae Variant Classification Sherloc (09022015). Collection method: clinical testing. Allele origin: germline.

PreventionGenetics, part of Exact Sciences
Classification: Likely benign for LEMD3-related condition. Last evaluated: 2019-04-23. Review status: no assertion criteria provided. Collection method: clinical testing. Allele origin: germline. Not counted in ClinVar's aggregate classification.
Comment: This variant is classified as likely benign based on ACMG/AMP sequence variant interpretation guidelines (Richards et al. 2015 PMID: 25741868, with internal and published modifications).